The following is an entry in ClinVar:

NM_001048174.2(MUTYH):c.1517G>T (p.Arg506Leu)

Gene: MUTYH (mutY DNA glycosylase; minus strand). Cytogenetic location: 1p34.1.
Variant type: single nucleotide variant.
Coding change: c.1517G>T on transcript NM_001048174.2 (MANE Select); coding-DNA position 1517, G replaced by T.
Protein change: p.Arg506Leu; replaces arginine 506 with leucine.
Molecular consequence: missense variant. On other transcripts: non-coding transcript variant (7).
Genome position (GRCh38, 1-based): chr1:45,329,355, C>A on the plus strand (G>T on the coding strand, the complement: MUTYH is on the minus strand). VCF-style: chr1-45329355-C-A. GRCh37 (hg19) VCF-style: chr1-45795027-C-A.
Other names: c.1517G>T, p.Arg506Leu (NM_001407070.1, NM_001407072.1, NM_001407073.1 and 6 more transcripts); c.1520G>T, p.Arg507Leu (NM_001407071.1, NM_001407078.1, NM_001048172.2 and 1 more transcripts); c.1433G>T, p.Arg478Leu (NM_001407075.1); c.1550G>T, p.Arg517Leu (NM_001407077.1, NM_001293191.2, NM_001407069.1); c.1478G>T, p.Arg493Leu (NM_001407079.1); c.1475G>T, p.Arg492Leu (NM_001407080.1); c.1601G>T, p.Arg534Leu (NM_001128425.2); c.1562G>T, p.Arg521Leu (NM_001293190.2); and 5 more; short protein forms R531L, R391L, R492L, R506L, R520L, R521L, R493L, R517L.
Identifiers: ClinVar variation 4113425 (VCV004113425.2).
Genomic context (GRCh38, chr1:45,329,355, plus strand): 5'-TTTCAGAGGTGTCACTGGGCTGCACTGTTGAGGCTGTGTGCATCAGTGGAGATGTGAGAC[C>A]GAAAGAAATTATCCAGGACTTGCTGGCCCATGCGGGGCTTTTTCCGACTGCACGGAGAGG-3'
Protein context (NP_001041639.1, residues 496-516): MGQQVLDNFF[Arg506Leu]SHISTDAHSL

ClinVar aggregate classification (germline): Uncertain significance. Review status: criteria provided, multiple submitters, no conflicts (2 of 4 stars). 2 submissions from 2 submitters: Uncertain significance (2). Last evaluated 2025-08-27.

Conditions:
Familial adenomatous polyposis 2. Also called: COLORECTAL ADENOMATOUS POLYPOSIS, AUTOSOMAL RECESSIVE; ADENOMAS, MULTIPLE COLORECTAL, AUTOSOMAL RECESSIVE; MYH-associated polyposis; MUTYH-associated polyposis; MUTYH-related attenuated familial adenomatous polyposis; FAP type 2. Identifiers: Orphanet 220460, Orphanet 247798, MedGen C3272841, MONDO:0012041, OMIM 608456.
Hereditary cancer-predisposing syndrome. Also called: Tumor predisposition; Neoplastic Syndromes, Hereditary; Hereditary Cancer Syndrome; Hereditary neoplastic syndrome. Identifiers: Orphanet 140162, MedGen C0027672, MeSH D009386, MONDO:0015356.

Submissions (2):

Ambry Genetics
Classification: Uncertain significance for Hereditary cancer-predisposing syndrome. Last evaluated: 2025-08-27. Review status: criteria provided, single submitter. Criteria: Ambry Variant Classification Scheme 2023. Collection method: clinical testing. Allele origin: germline.
Comment: The p.R534L variant (also known as c.1601G>T), located in coding exon 16 of the MUTYH gene, results from a G to T substitution at nucleotide position 1601. The arginine at codon 534 is replaced by leucine, an amino acid with dissimilar properties. This amino acid position is conserved. In addition, this alteration is predicted to be tolerated by in silico analysis. Based on the available evidence, the clinical significance of this variant remains unclear.

Labcorp Genetics (formerly Invitae), Labcorp
Classification: Uncertain significance for Familial adenomatous polyposis 2. Last evaluated: 2025-02-08. Review status: criteria provided, single submitter. Criteria: Invitae Variant Classification Sherloc (09022015). Collection method: clinical testing. Allele origin: germline.
Comment: This sequence change replaces arginine, which is basic and polar, with leucine, which is neutral and non-polar, at codon 534 of the MUTYH protein (p.Arg534Leu). This variant is not present in population databases (gnomAD no frequency). This variant has not been reported in the literature in individuals affected with MUTYH-related conditions. An algorithm developed to predict the effect of missense changes on protein structure and function (PolyPhen-2) suggests that this variant is likely to be tolerated. In summary, the available evidence is currently insufficient to determine the role of this variant in disease. Therefore, it has been classified as a Variant of Uncertain Significance.